The following is an entry in ClinVar:

ClinVar aggregate classification (germline): Uncertain significance. Review status: criteria provided, multiple submitters, no conflicts (2 of 4 stars). 4 submissions from 4 submitters: Uncertain significance (4). Last evaluated 2025-05-14.

Conditions:
INVS-related disorder. Also called: INVS-related condition.
Infantile nephronophthisis (NPHP2). Also called: Nephronophthisis 2; Nephronophthisis 2, infantile. Identifiers: Orphanet 655, Orphanet 93591, MedGen C1865872, MONDO:0011190, OMIM 602088.
Nephronophthisis. Also called: Juvenile Nephronophthisis. Identifiers: Orphanet 655, MedGen C0687120, MONDO:0019005, HP:0000090.

Allele frequency attached by ClinVar (database versions not stated): ExAC 0.00002; gnomAD exomes 0.00002 and 0.00003; TOPMed 0.00002.
gnomAD v4.1: 24 of 1,614,032 alleles (0.0015%); highest among the groups gnomAD compares: East Asian, 0.011%; no homozygotes.

Submissions (4):

PreventionGenetics, part of Exact Sciences
Classification: Uncertain significance for INVS-related condition. Last evaluated: 2025-05-14. Review status: criteria provided, single submitter. Criteria: ACMG Guidelines, 2015. Collection method: clinical testing. Allele origin: germline.
Comment: The INVS c.1654G>A variant is predicted to result in the amino acid substitution p.Ala552Thr. To our knowledge, this variant has not been reported in the literature. This variant is reported in 0.027% of alleles in individuals of East Asian descent in gnomAD. At this time, the clinical significance of this variant is uncertain due to the absence of conclusive functional and genetic evidence.

Fulgent Genetics
Classification: Uncertain significance for Infantile nephronophthisis. Last evaluated: 2024-05-21. Review status: criteria provided, single submitter. Criteria: ACMG Guidelines, 2015. Collection method: clinical testing. Allele origin: germline.

Labcorp Genetics (formerly Invitae), Labcorp
Classification: Uncertain significance for Nephronophthisis. Last evaluated: 2022-09-19. Review status: criteria provided, single submitter. Criteria: Invitae Variant Classification Sherloc (09022015). Collection method: clinical testing. Allele origin: germline.
Comment: This sequence change replaces alanine, which is neutral and non-polar, with threonine, which is neutral and polar, at codon 552 of the INVS protein (p.Ala552Thr). This variant is present in population databases (rs748693441, gnomAD 0.03%). This variant has not been reported in the literature in individuals affected with INVS-related conditions. ClinVar contains an entry for this variant (Variation ID: 947974). Algorithms developed to predict the effect of missense changes on protein structure and function are either unavailable or do not agree on the potential impact of this missense change (SIFT: "Deleterious"; PolyPhen-2: "Benign"; Align-GVGD: "Class C55"). In summary, the available evidence is currently insufficient to determine the role of this variant in disease. Therefore, it has been classified as a Variant of Uncertain Significance.

Clinical Genetics Laboratory, Skane University Hospital Lund
Classification: Uncertain significance. Last evaluated: 2022-05-27. Review status: criteria provided, single submitter. Criteria: ACMG Guidelines, 2015. Collection method: clinical testing. Allele origin: germline. Affected: yes.

NM_014425.5(INVS):c.1654G>A (p.Ala552Thr)

Gene: INVS (inversin; plus strand). Cytogenetic location: 9q31.1.
Variant type: single nucleotide variant.
Coding change: c.1654G>A on transcript NM_014425.5 (MANE Select); coding-DNA position 1654, G replaced by A.
Protein change: p.Ala552Thr; replaces alanine 552 with threonine.
Molecular consequence: missense variant. On other transcripts: non-coding transcript variant (1).
Genome position (GRCh38, 1-based): chr9:100,272,946, G>A. VCF-style: chr9-100272946-G-A. GRCh37 (hg19) VCF-style: chr9-103035228-G-A.
Other names: c.676G>A (NM_001318382.1); c.1366G>A, p.Ala456Thr (NM_001318381.2); c.676G>A, p.Ala226Thr (NM_001318382.2); c.1654G>A (NM_014425.4); short protein forms A226T, A552T, A456T.
Identifiers: ClinVar variation 947974 (VCV000947974.8), dbSNP rs748693441, ClinGen allele CA5158459.